The following is an entry in ClinVar:

ClinVar aggregate classification (germline): Conflicting classifications of pathogenicity. Review status: criteria provided, conflicting classifications (1 of 4 stars). 5 submissions from 5 submitters: Uncertain significance (4); Likely benign (1). Last evaluated 2025-09-13.

Allele frequency attached by ClinVar (database versions not stated): ExAC 0.00021; gnomAD 0.00021 and 0.00022; gnomAD exomes 0.00023 and 0.00029; ESP Exome Variant Server 0.00025; TOPMed 0.00031.
gnomAD v4.1: 380 of 1,613,778 alleles (0.024%); highest among the groups gnomAD compares: Middle Eastern, 0.13%; no homozygotes.

Submissions (5):

Labcorp Genetics (formerly Invitae), Labcorp
Classification: Uncertain significance. Last evaluated: 2025-09-13. Review status: criteria provided, single submitter. Criteria: Invitae Variant Classification Sherloc (09022015). Collection method: clinical testing. Allele origin: germline.
Comment: This sequence change replaces proline, which is neutral and non-polar, with leucine, which is neutral and non-polar, at codon 348 of the FAM65B protein (p.Pro348Leu). The frequency data for this variant in the population databases is considered unreliable, as metrics indicate poor data quality at this position in the gnomAD database. This variant has not been reported in the literature in individuals affected with FAM65B-related conditions. ClinVar contains an entry for this variant (Variation ID: 667323). An algorithm developed to predict the effect of missense changes on protein structure and function (PolyPhen-2) suggests that this variant is likely to be disruptive. In summary, the available evidence is currently insufficient to determine the role of this variant in disease. Therefore, it has been classified as a Variant of Uncertain Significance.

Blueprint Genetics
Classification: Uncertain significance. Last evaluated: 2024-09-08. Review status: criteria provided, single submitter. Criteria: ACMG Guidelines, 2015. Collection method: clinical testing. Allele origin: germline.

Ambry Genetics
Classification: Uncertain significance. Last evaluated: 2024-07-26. Review status: criteria provided, single submitter. Criteria: Ambry Variant Classification Scheme 2023. Collection method: clinical testing. Allele origin: germline.

GeneDx
Classification: Likely benign. Last evaluated: 2019-10-21. Review status: criteria provided, single submitter. Criteria: GeneDx Variant Classification Process June 2021. Collection method: clinical testing. Allele origin: germline. Affected: yes.

Laboratory for Molecular Medicine, Mass General Brigham Personalized Medicine
Classification: Uncertain significance. Last evaluated: 2018-12-04. Review status: criteria provided, single submitter. Criteria: LMM Criteria. Collection method: clinical testing. Allele origin: germline. Observed: 1 variant allele.
Comment: The p.Pro348Leu variant in RIPOR2 has not been previously reported in individual s with hearing loss but has been identified in 0.09% (32/35362) of Latino chromo somes by gnomAD. Computational prediction too ls and conservation analysis do not provide strong support for or against an imp act to the protein. In summary, the clinical significance of the p.Pro348Leu var iant is uncertain. ACMG/AMP Criteria applied: BS1_Supporting.

NM_001286445.3(RIPOR2):c.1130C>T (p.Pro377Leu)

Gene: RIPOR2 (RHO family interacting cell polarization regulator 2; minus strand). Cytogenetic location: 6p22.3.
Variant type: single nucleotide variant.
Coding change: c.1130C>T on transcript NM_001286445.3 (MANE Select); coding-DNA position 1130, C replaced by T.
Protein change: p.Pro377Leu; replaces proline 377 with leucine.
Molecular consequence: missense variant.
Genome position (GRCh38, 1-based): chr6:24,848,059, G>A on the plus strand (C>T on the coding strand, the complement: RIPOR2 is on the minus strand). VCF-style: chr6-24848059-G-A. GRCh37 (hg19) VCF-style: chr6-24848287-G-A.
Other names: c.1145C>T, p.Pro382Leu (NM_001286446.3); c.1043C>T, p.Pro348Leu (NM_001286447.2, NM_001346031.2, NM_001346032.2 and 2 more transcripts); c.1043C>T (NM_014722.2); short protein forms P382L, P377L, P348L.
Identifiers: ClinVar variation 667323 (VCV000667323.14), dbSNP rs201901775, ClinGen allele CA3659328.